The following is an entry in ClinVar:

ClinVar aggregate classification (germline): Uncertain significance. Review status: criteria provided, multiple submitters, no conflicts (2 of 4 stars). 2 submissions from 2 submitters: Uncertain significance (2). Last evaluated 2025-07-02.

Conditions:
Inborn genetic diseases. Identifiers: MedGen C0950123, MeSH D030342.
Neuronal ceroid lipofuscinosis. Also called: Neuronal Ceroid Lipofuscinoses. Identifiers: Orphanet 216, Orphanet 79263, MedGen C0027877, MONDO:0016295. Disease mechanism: loss of function.

Allele frequency attached by ClinVar (database versions not stated): ExAC 0.00001; gnomAD exomes 0.00001; TOPMed 0.00001.

Submissions (2):

Ambry Genetics
Classification: Uncertain significance for Inborn genetic diseases. Last evaluated: 2025-07-02. Review status: criteria provided, single submitter. Criteria: Ambry Variant Classification Scheme 2023. Collection method: clinical testing. Allele origin: germline.

Labcorp Genetics (formerly Invitae), Labcorp
Classification: Uncertain significance for Neuronal ceroid lipofuscinosis. Last evaluated: 2022-03-28. Review status: criteria provided, single submitter. Criteria: Invitae Variant Classification Sherloc (09022015). Collection method: clinical testing. Allele origin: germline.
Comment: This sequence change replaces glycine, which is neutral and non-polar, with serine, which is neutral and polar, at codon 391 of the CTSD protein (p.Gly391Ser). This variant is present in population databases (rs772723204, gnomAD 0.01%). This variant has not been reported in the literature in individuals affected with CTSD-related conditions. Algorithms developed to predict the effect of missense changes on protein structure and function are either unavailable or do not agree on the potential impact of this missense change (SIFT: "Tolerated"; PolyPhen-2: "Probably Damaging"; Align-GVGD: "Class C0"). In summary, the available evidence is currently insufficient to determine the role of this variant in disease. Therefore, it has been classified as a Variant of Uncertain Significance.

NM_001909.5(CTSD):c.1171G>A (p.Gly391Ser)

Gene: CTSD (cathepsin D; minus strand). Cytogenetic location: 11p15.5.
Variant type: single nucleotide variant.
Coding change: c.1171G>A on transcript NM_001909.5 (MANE Select); coding-DNA position 1171, G replaced by A.
Protein change: p.Gly391Ser; replaces glycine 391 with serine.
Molecular consequence: missense variant.
Genome position (GRCh38, 1-based): chr11:1,753,571, C>T on the plus strand (G>A on the coding strand, the complement: CTSD is on the minus strand). VCF-style: chr11-1753571-C-T. GRCh37 (hg19) VCF-style: chr11-1774801-C-T.
Other names: c.1171G>A (NM_001909.4); short protein forms G391S.
Identifiers: ClinVar variation 2168533 (VCV002168533.2), dbSNP rs772723204, ClinGen allele CA5813880.